The following is an entry in ClinVar:

ClinVar aggregate classification (germline): Likely benign (1 of 4 stars; one submission).

gnomAD v4.1: 4 of 1,614,244 alleles (0.00025%); highest among the groups gnomAD compares: Non-Finnish European, 0.00034%; no homozygotes.

Submission:

CeGaT Center for Human Genetics Tuebingen
Classification: Likely benign. Last evaluated: 2023-05-01. Review status: criteria provided, single submitter. Criteria: CeGaT Center For Human Genetics Tuebingen Variant Classification Criteria Version 2. Collection method: clinical testing. Allele origin: germline. Affected: yes. Observed: 1 variant allele.
Comment: EP400: BP4, BP7

NM_015409.5(EP400):c.5178T>C (p.Ser1726=)

Genes: EP400 (E1A binding protein p400; plus strand), LOC124849291 (Sharpr-MPRA regulatory region 9648; plus strand). Cytogenetic location: 12q24.33.
Variant type: single nucleotide variant.
Coding change: c.5178T>C on transcript NM_015409.5 (MANE Select); coding-DNA position 5178, T replaced by C.
Protein change: p.Ser1726=; no amino-acid change (serine 1726 retained).
Molecular consequence: synonymous variant.
Genome position (GRCh38, 1-based): chr12:132,028,085, T>C. VCF-style: chr12-132028085-T-C. GRCh37 (hg19) VCF-style: chr12-132512630-T-C.
Identifiers: ClinVar variation 2643622 (VCV002643622.24), dbSNP rs1460939564, ClinGen allele CA482691403.
Genomic context (GRCh38, chr12:132,028,085, plus strand): 5'-GACCAGACTCTTGAAAGAGCGCCTGGATCAGATTTATTTAGTCAACGAGCGGCGCTGTTC[T>C]CAAGCTCCAGTCTATGGCAGAGACTTGCTAAGGATTTGTGCCCTGCCTAGCCATGGAAGG-3'
Protein context (NP_056224.3, residues 1716-1736): QIYLVNERRC[Ser1726=]QAPVYGRDLL